The following is an entry in ClinVar:

NM_015662.3(IFT172):c.4311+5T>C

Gene: IFT172 (intraflagellar transport 172; minus strand). Cytogenetic location: 2p23.3.
Variant type: single nucleotide variant.
Coding change: c.4311+5T>C on transcript NM_015662.3 (MANE Select); 5 bases into the intron after coding-DNA position 4311, T replaced by C.
Molecular consequence: intron variant.
Genome position (GRCh38, 1-based): chr2:27,449,289, A>G on the plus strand (T>C on the coding strand, the complement: IFT172 is on the minus strand). VCF-style: chr2-27449289-A-G. GRCh37 (hg19) VCF-style: chr2-27672156-A-G.
Other names: c.4311+5T>C (NM_015662.2).
Identifiers: ClinVar variation 1393483 (VCV001393483.6), dbSNP rs756624999, ClinGen allele CA1579657.
Genomic context (GRCh38, chr2:27,449,289, plus strand): 5'-TTTGAGGCAGGTGGGGAATCAAGGGAAAATGTAAAGAAAAACTGGGAATGGGAAGAGAGC[A>G]GTACCTGCTTGGTAGCTGTTTCAATGCACTTGTCCCACTGGCCCTGCTCCACATACAGGT-3'

ClinVar aggregate classification (germline): Conflicting classifications of pathogenicity. Review status: criteria provided, conflicting classifications (1 of 4 stars). 3 submissions from 3 submitters: Uncertain significance (1); Likely benign (1). 1 of the submissions does not count toward it. Last evaluated 2023-09-19.

Conditions:
IFT172-related disorder. Also called: IFT172-related disorders; IFT172-related condition.
Short-rib thoracic dysplasia 10 with or without polydactyly (SRTD10). Identifiers: Orphanet 474, MedGen C3810175, MONDO:0014284, OMIM 615630.
Retinitis pigmentosa 71 (RP71). Identifiers: Orphanet 791, MedGen C4225342, MONDO:0014618, OMIM 616394.

Allele frequency attached by ClinVar (database versions not stated): ExAC 0.00001; gnomAD exomes 0.00001 and 0.00002; TOPMed 0.00001; gnomAD 0.00003 and 0.00004.
gnomAD v4.1: 36 of 1,614,044 alleles (0.0022%); highest among the groups gnomAD compares: Non-Finnish European, 0.0031%; no homozygotes.

Submissions (3):

Blueprint Genetics
Classification: Likely benign. Last evaluated: 2023-09-19. Review status: criteria provided, single submitter. Criteria: ACMG Guidelines, 2015. Collection method: clinical testing. Allele origin: germline.

Labcorp Genetics (formerly Invitae), Labcorp
Classification: Uncertain significance for Retinitis pigmentosa 71; Short-rib thoracic dysplasia 10 with or without polydactyly. Last evaluated: 2021-12-15. Review status: criteria provided, single submitter. Criteria: Invitae Variant Classification Sherloc (09022015). Collection method: clinical testing. Allele origin: germline.
Comment: This sequence change falls in intron 39 of the IFT172 gene. It does not directly change the encoded amino acid sequence of the IFT172 protein. It affects a nucleotide within the consensus splice site. This variant is present in population databases (rs756624999, gnomAD 0.003%). This variant has not been reported in the literature in individuals affected with IFT172-related conditions. Variants that disrupt the consensus splice site are a relatively common cause of aberrant splicing (PMID: 17576681, 9536098). Algorithms developed to predict the effect of sequence changes on RNA splicing suggest that this variant is not likely to affect RNA splicing. In summary, the available evidence is currently insufficient to determine the role of this variant in disease. Therefore, it has been classified as a Variant of Uncertain Significance.

PreventionGenetics, part of Exact Sciences
Classification: Likely benign for IFT172-related condition. Last evaluated: 2023-07-07. Review status: no assertion criteria provided. Collection method: clinical testing. Allele origin: germline. Not counted in ClinVar's aggregate classification.
Comment: This variant is classified as likely benign based on ACMG/AMP sequence variant interpretation guidelines (Richards et al. 2015 PMID: 25741868, with internal and published modifications).

Literature cited by the submitters: PubMed 17576681 (cited by Labcorp Genetics (formerly Invitae), Labcorp); PubMed 9536098 (cited by Labcorp Genetics (formerly Invitae), Labcorp).